The following is an entry in ClinVar:

ClinVar aggregate classification (germline): Benign (0 of 4 stars; one submission).

Conditions:
MDN1-related disorder. Also called: MDN1-related condition.

Allele frequency attached by ClinVar (database versions not stated): 1000 Genomes Project 0.11342; 1000 Genomes Project 30x 0.11462; TOPMed 0.13264; gnomAD 0.14564; ESP Exome Variant Server 0.14995; ExAC 0.15306; gnomAD exomes 0.17734.
gnomAD v4.1: 278,231 of 1,604,276 alleles (17%); highest among the groups gnomAD compares: Non-Finnish European, 19%; 26,014 homozygotes.

Submission:

PreventionGenetics, part of Exact Sciences
Classification: Benign for MDN1-related condition. Last evaluated: 2019-11-11. Review status: no assertion criteria provided. Collection method: clinical testing. Allele origin: germline.
Comment: This variant is classified as benign based on ACMG/AMP sequence variant interpretation guidelines (Richards et al. 2015 PMID: 25741868, with internal and published modifications).

NM_014611.3(MDN1):c.1815A>G (p.Arg605=)

Gene: MDN1 (midasin AAA ATPase 1; minus strand). Cytogenetic location: 6q15.
Variant type: single nucleotide variant.
Coding change: c.1815A>G on transcript NM_014611.3 (MANE Select); coding-DNA position 1815, A replaced by G.
Protein change: p.Arg605=; no amino-acid change (arginine 605 retained).
Molecular consequence: synonymous variant.
Genome position (GRCh38, 1-based): chr6:89,776,606, T>C on the plus strand (A>G on the coding strand, the complement: MDN1 is on the minus strand). VCF-style: chr6-89776606-T-C. GRCh37 (hg19) VCF-style: chr6-90486325-T-C.
Identifiers: ClinVar variation 3056577 (VCV003056577.2), dbSNP rs41402447, ClinGen allele CA3925867.